The following is an entry in ClinVar:

ClinVar aggregate classification (germline): Uncertain significance (1 of 4 stars; one submission).

Submission:

Labcorp Genetics (formerly Invitae), Labcorp
Classification: Uncertain significance. Last evaluated: 2022-05-19. Review status: criteria provided, single submitter. Criteria: Invitae Variant Classification Sherloc (09022015). Collection method: clinical testing. Allele origin: germline.
Comment: This sequence change replaces asparagine, which is neutral and polar, with histidine, which is basic and polar, at codon 161 of the PIGV protein (p.Asn161His). This variant is not present in population databases (gnomAD no frequency). This variant has not been reported in the literature in individuals affected with PIGV-related conditions. Algorithms developed to predict the effect of missense changes on protein structure and function are either unavailable or do not agree on the potential impact of this missense change (SIFT: "Deleterious"; PolyPhen-2: "Probably Damaging"; Align-GVGD: "Class C0"). In summary, the available evidence is currently insufficient to determine the role of this variant in disease. Therefore, it has been classified as a Variant of Uncertain Significance.

NM_017837.4(PIGV):c.481A>C (p.Asn161His)

Gene: PIGV (phosphatidylinositol glycan anchor biosynthesis class V; plus strand). Cytogenetic location: 1p36.11.
Variant type: single nucleotide variant.
Coding change: c.481A>C on transcript NM_017837.4 (MANE Select); coding-DNA position 481, A replaced by C.
Protein change: p.Asn161His; replaces asparagine 161 with histidine.
Molecular consequence: missense variant. On other transcripts: non-coding transcript variant (1), intron variant (3).
Genome position (GRCh38, 1-based): chr1:26,794,515, A>C. VCF-style: chr1-26794515-A-C. GRCh37 (hg19) VCF-style: chr1-27121006-A-C.
Other names: c.481A>C, p.Asn161His (NM_001202554.2, NM_001374478.1, NM_001374480.1 and 2 more transcripts); c.100A>C, p.Asn34His (NM_001374483.1); c.172+309A>C (NM_001374484.1, NM_001374485.1); c.79-3048A>C (NM_001374486.1); short protein forms N161H, N34H.
Identifiers: ClinVar variation 2147506 (VCV002147506.1), dbSNP rs2522168223, ClinGen allele CA339199839.